The following is an entry in ClinVar:

ClinVar aggregate classification (germline): Likely pathogenic (1 of 4 stars; one submission).

Submission:

Quest Diagnostics Nichols Institute San Juan Capistrano
Classification: Likely pathogenic. Last evaluated: 2025-04-23. Review status: criteria provided, single submitter. Criteria: ACMG/ClinGen CNV Guidelines, 2019. Collection method: clinical testing. Allele origin: unknown.
Comment: This loss involves multiple protein-coding genes, including ARFGEF1 (OMIM 604141). Haploinsufficiency of ARFGEF1 has been reported in association with autosomal dominant developmental delay, impaired speech, and behavioral abnormalities, with or without seizures (OMIM 619964) (Thomas 2021, Turner 2019, Xu 2022). There are no similar copy number losses of this region in the general populations of the Database of Genomic Variants. Thus, based on current medical literature, this copy number variant (CNV) is classified as likely pathogenic. References: Thomas et al., Genet Med. 2021 Oct;23(10):1901-1911. PMID: 34113008 Turner et al., Am J Hum Genet. 2019 Dec 5;105(6):1274-1285. PMID: 31785789 Xu et al., Front Mol Neurosci. 2022 Jun 17;15:862096. PMID: 35782386

GRCh37/hg19 8q13.2(chr8:68100336-70143632)x1

Genes: ARFGEF1 (ARF guanine nucleotide exchange factor 1; minus strand), C8orf34 (chromosome 8 open reading frame 34; plus strand), CPA6 (carboxypeptidase A6; minus strand), CSPP1 (centrosome and spindle pole associated protein 1; plus strand), PREX2 (phosphatidylinositol-3,4,5-trisphosphate dependent Rac exchange factor 2; plus strand). Cytogenetic location: 8q13.2.
Variant type: copy number loss.
Change: copy number 1 (one copy instead of two) of chr8:68,100,336-70,143,632 (2.04 Mb, GRCh37 coordinates, 1-based), cytogenetic band 8q13.2.
Identifiers: ClinVar variation 3391902 (VCV003391902.2).